The following is an entry in ClinVar:

ClinVar aggregate classification (germline): Benign/Likely benign. Review status: criteria provided, multiple submitters, no conflicts (2 of 4 stars). 3 submissions from 3 submitters: Benign (1); Likely benign (2). Last evaluated 2026-01-09.

Allele frequency attached by ClinVar (database versions not stated): 1000 Genomes Project 30x 0.00047; TOPMed 0.00048; 1000 Genomes Project 0.00060; ESP Exome Variant Server 0.00069; gnomAD 0.00131.
gnomAD v4.1: 651 of 1,614,174 alleles (0.04%); highest among the groups gnomAD compares: Non-Finnish European, 0.029%; 2 homozygotes.

Submissions (3):

Labcorp Genetics (formerly Invitae), Labcorp
Classification: Likely benign. Last evaluated: 2026-01-09. Review status: criteria provided, single submitter. Criteria: Invitae Variant Classification Sherloc (09022015). Collection method: clinical testing. Allele origin: germline.

CeGaT Center for Human Genetics Tuebingen
Classification: Likely benign. Last evaluated: 2023-03-01. Review status: criteria provided, single submitter. Criteria: CeGaT Center For Human Genetics Tuebingen Variant Classification Criteria Version 2. Collection method: clinical testing. Allele origin: germline. Affected: yes. Observed: 1 variant allele.
Comment: ERMARD: BP4, BS2

Genetic Services Laboratory, University of Chicago
Classification: Benign. Last evaluated: 2017-10-24. Review status: criteria provided, single submitter. Criteria: ACMG Guidelines, 2015. Collection method: clinical testing. Allele origin: germline. Affected: no.

NM_018341.3(ERMARD):c.1480C>G (p.Arg494Gly)

Gene: ERMARD (ER membrane associated RNA degradation; plus strand). Cytogenetic location: 6q27.
Variant type: single nucleotide variant.
Coding change: c.1480C>G on transcript NM_018341.3 (MANE Select); coding-DNA position 1480, C replaced by G.
Protein change: p.Arg494Gly; replaces arginine 494 with glycine.
Molecular consequence: missense variant.
Genome position (GRCh38, 1-based): chr6:169,776,025, C>G. VCF-style: chr6-169776025-C-G. GRCh37 (hg19) VCF-style: chr6-170176121-C-G.
Other names: c.1480C>G, p.Arg494Gly (NM_001278531.2, NM_001278533.2); c.1102C>G, p.Arg368Gly (NM_001278532.2); short protein forms R368G, R494G.
Identifiers: ClinVar variation 787540 (VCV000787540.37), dbSNP rs144908519, ClinGen allele CA4106284.